The following is an entry in ClinVar:

ClinVar aggregate classification (germline): Uncertain significance. Review status: criteria provided, multiple submitters, no conflicts (2 of 4 stars). 3 submissions from 3 submitters: Uncertain significance (2). 1 of the submissions does not count toward it. Last evaluated 2025-11-21.

Conditions:
Kleefstra syndrome 2 (KLEFS2). Identifiers: MedGen C4540395, MONDO:0054701, OMIM 617768.

Allele frequency attached by ClinVar (database versions not stated): ESP Exome Variant Server 0.00008; gnomAD exomes below 0.00001; TOPMed below 0.00001.
gnomAD v4.1: 1 of 1,614,210 alleles (0.000062%); highest among the groups gnomAD compares: Non-Finnish European, 0.000085%; no homozygotes.

Submissions (3):

Labcorp Genetics (formerly Invitae), Labcorp
Classification: Uncertain significance. Last evaluated: 2025-11-21. Review status: criteria provided, single submitter. Criteria: Invitae Variant Classification Sherloc (09022015). Collection method: clinical testing. Allele origin: germline.
Comment: This sequence change replaces alanine, which is neutral and non-polar, with threonine, which is neutral and polar, at codon 3861 of the KMT2C protein (p.Ala3861Thr). This variant is not present in population databases (gnomAD no frequency). This variant has not been reported in the literature in individuals affected with KMT2C-related conditions. ClinVar contains an entry for this variant (Variation ID: 134805). An algorithm developed to predict the effect of missense changes on protein structure and function outputs the following: PolyPhen-2: "Benign". The threonine amino acid residue is found in multiple mammalian species, which suggests that this missense change does not adversely affect protein function. In summary, the available evidence is currently insufficient to determine the role of this variant in disease. Therefore, it has been classified as a Variant of Uncertain Significance.

Revvity Omics, Revvity
Classification: Uncertain significance for Kleefstra syndrome 2. Last evaluated: 2024-03-21. Review status: criteria provided, single submitter. Criteria: ACMG Guidelines, 2015. Collection method: clinical testing. Allele origin: germline.

ITMI
No classification provided. Condition: AllHighlyPenetrant. Last evaluated: 2013-09-19. Review status: no classification provided. Collection method: reference population. Allele origin: germline. Not counted in ClinVar's aggregate classification.
Comment: Please see associated publication for description of ethnicities

Literature cited by the submitters: PubMed 24728327 (cited by ITMI).

NM_170606.3(KMT2C):c.11581G>A (p.Ala3861Thr)

Gene: KMT2C (lysine methyltransferase 2C; minus strand). Cytogenetic location: 7q36.1.
Variant type: single nucleotide variant.
Coding change: c.11581G>A on transcript NM_170606.3 (MANE Select); coding-DNA position 11581, G replaced by A.
Protein change: p.Ala3861Thr; replaces alanine 3861 with threonine.
Molecular consequence: missense variant.
Genome position (GRCh38, 1-based): chr7:152,158,952, C>T on the plus strand (G>A on the coding strand, the complement: KMT2C is on the minus strand). VCF-style: chr7-152158952-C-T. GRCh37 (hg19) VCF-style: chr7-151856037-C-T.
Other names: short protein forms A3861T.
Identifiers: ClinVar variation 134805 (VCV000134805.3), dbSNP rs147946863, ClinGen allele CA160779.